The following is an entry in ClinVar:

ClinVar aggregate classification (germline): Uncertain significance (1 of 4 stars; one submission).

Allele frequency attached by ClinVar (database versions not stated): gnomAD exomes below 0.00001.
gnomAD v4.1: 2 of 1,614,026 alleles (0.00012%); highest among the groups gnomAD compares: Non-Finnish European, 0.00017%; no homozygotes.

Submission:

Labcorp Genetics (formerly Invitae), Labcorp
Classification: Uncertain significance. Last evaluated: 2022-07-19. Review status: criteria provided, single submitter. Criteria: Invitae Variant Classification Sherloc (09022015). Collection method: clinical testing. Allele origin: germline.
Comment: In summary, the available evidence is currently insufficient to determine the role of this variant in disease. Therefore, it has been classified as a Variant of Uncertain Significance. Algorithms developed to predict the effect of missense changes on protein structure and function (SIFT, PolyPhen-2, Align-GVGD) all suggest that this variant is likely to be disruptive. ClinVar contains an entry for this variant (Variation ID: 1403327). This missense change has been observed in individuals with clinical features of Usher syndrome and/or deafness (PMID: 26927203, 28000701; Invitae). This variant is not present in population databases (gnomAD no frequency). This sequence change replaces aspartic acid, which is acidic and polar, with glycine, which is neutral and non-polar, at codon 591 of the USH2A protein (p.Asp591Gly).

Literature cited by the submitters: PubMed 26927203; PubMed 28000701.

NM_206933.4(USH2A):c.1772A>G (p.Asp591Gly)

Gene: USH2A (usherin; minus strand). Cytogenetic location: 1q41.
Variant type: single nucleotide variant.
Coding change: c.1772A>G on transcript NM_206933.4 (MANE Select); coding-DNA position 1772, A replaced by G.
Protein change: p.Asp591Gly; replaces aspartic acid 591 with glycine.
Molecular consequence: missense variant.
Genome position (GRCh38, 1-based): chr1:216,292,243, T>C on the plus strand (A>G on the coding strand, the complement: USH2A is on the minus strand). VCF-style: chr1-216292243-T-C. GRCh37 (hg19) VCF-style: chr1-216465585-T-C.
Other names: c.1772A>G, p.Asp591Gly (NM_007123.6); short protein forms D591G.
Identifiers: ClinVar variation 1403327 (VCV001403327.8), dbSNP rs2102610850, ClinGen allele CA344903134.